The following is an entry in ClinVar:

NM_000751.3(CHRND):c.626G>A (p.Gly209Glu)

Gene: CHRND (cholinergic receptor nicotinic delta subunit; plus strand). Cytogenetic location: 2q37.1.
Variant type: single nucleotide variant.
Coding change: c.626G>A on transcript NM_000751.3 (MANE Select); coding-DNA position 626, G replaced by A.
Protein change: p.Gly209Glu; replaces glycine 209 with glutamic acid.
Molecular consequence: missense variant. On other transcripts: intron variant (1).
Genome position (GRCh38, 1-based): chr2:232,529,945, G>A. VCF-style: chr2-232529945-G-A. GRCh37 (hg19) VCF-style: chr2-233394655-G-A.
Other names: c.581G>A, p.Gly194Glu (NM_001256657.2); c.323G>A, p.Gly108Glu (NM_001311196.2); c.238+1289G>A (NM_001311195.2); short protein forms G108E, G194E, G209E.
Identifiers: ClinVar variation 1004619 (VCV001004619.9), dbSNP rs754652646, ClinGen allele CA2168103.

ClinVar aggregate classification (germline): Uncertain significance. Review status: criteria provided, multiple submitters, no conflicts (2 of 4 stars). 2 submissions from 2 submitters: Uncertain significance (2). Last evaluated 2026-01-15.

Conditions:
Lethal multiple pterygium syndrome (LMPS). Identifiers: Orphanet 33108, MedGen C1854678, MONDO:0009668, OMIM 253290.

Allele frequency attached by ClinVar (database versions not stated): gnomAD exomes 0.00001 and 0.00003; ExAC 0.00002; gnomAD 0.00009 and 0.00012; TOPMed 0.00014.

Submissions (2):

Labcorp Genetics (formerly Invitae), Labcorp
Classification: Uncertain significance for Lethal multiple pterygium syndrome. Last evaluated: 2026-01-15. Review status: criteria provided, single submitter. Criteria: Invitae Variant Classification Sherloc (09022015). Collection method: clinical testing. Allele origin: germline.
Comment: This sequence change replaces glycine, which is neutral and non-polar, with glutamic acid, which is acidic and polar, at codon 209 of the CHRND protein (p.Gly209Glu). This variant is present in population databases (rs754652646, gnomAD 0.05%). This variant has not been reported in the literature in individuals affected with CHRND-related conditions. ClinVar contains an entry for this variant (Variation ID: 1004619). Invitae Evidence Modeling of protein sequence and biophysical properties (such as structural, functional, and spatial information, amino acid conservation, physicochemical variation, residue mobility, and thermodynamic stability) has been performed for this missense variant. However, the output from this modeling did not meet the statistical confidence thresholds required to predict the impact of this variant on CHRND protein function. In summary, the available evidence is currently insufficient to determine the role of this variant in disease. Therefore, it has been classified as a Variant of Uncertain Significance.

Department of Pathology and Laboratory Medicine, Sinai Health System
Classification: Uncertain significance for Lethal multiple pterygium syndrome. Last evaluated: 2023-04-18. Review status: criteria provided, single submitter. Criteria: ACMG Guidelines, 2015. Collection method: research. Allele origin: germline.